The following is an entry in ClinVar:

ClinVar aggregate classification (germline): Likely benign. Review status: criteria provided, multiple submitters, no conflicts (2 of 4 stars). 3 submissions from 3 submitters: Likely benign (2). 1 of the submissions does not count toward it. Last evaluated 2025-10-01.

Conditions:
Fanconi anemia (FA). Also called: Fanconi's anemia. Identifiers: Orphanet 84, MedGen C0015625, MeSH D005199, MONDO:0019391.
FANCA-related disorder. Also called: FANCA-related condition.

Allele frequency attached by ClinVar (database versions not stated): gnomAD 0.00003 and 0.00004; TOPMed 0.00003.
gnomAD v4.1: 12 of 1,612,396 alleles (0.00074%); highest among the groups gnomAD compares: African/African-American, 0.012%; no homozygotes.

Submissions (3):

Labcorp Genetics (formerly Invitae), Labcorp
Classification: Likely benign for Fanconi anemia. Last evaluated: 2025-10-01. Review status: criteria provided, single submitter. Criteria: Invitae Variant Classification Sherloc (09022015). Collection method: clinical testing. Allele origin: germline.

Sema4
Classification: Likely benign for Fanconi anemia. Last evaluated: 2021-08-26. Review status: criteria provided, single submitter. Criteria: Sema4 Curation Guidelines. Collection method: curation. Allele origin: germline.

PreventionGenetics, part of Exact Sciences
Classification: Likely benign for FANCA-related condition. Last evaluated: 2022-07-06. Review status: no assertion criteria provided. Collection method: clinical testing. Allele origin: germline. Not counted in ClinVar's aggregate classification.
Comment: This variant is classified as likely benign based on ACMG/AMP sequence variant interpretation guidelines (Richards et al. 2015 PMID: 25741868, with internal and published modifications).

NM_000135.4(FANCA):c.1007-6C>T

Gene: FANCA (FA complementation group A; minus strand). Cytogenetic location: 16q24.3.
Variant type: single nucleotide variant.
Coding change: c.1007-6C>T on transcript NM_000135.4 (MANE Select); 6 bases into the intron before coding-DNA position 1007, C replaced by T.
Molecular consequence: intron variant.
Genome position (GRCh38, 1-based): chr16:89,792,553, G>A on the plus strand (C>T on the coding strand, the complement: FANCA is on the minus strand). VCF-style: chr16-89792553-G-A. GRCh37 (hg19) VCF-style: chr16-89858961-G-A.
Other names: c.1007-6C>T (NM_001286167.3).
Identifiers: ClinVar variation 1118731 (VCV001118731.12), dbSNP rs770125368, ClinGen allele CA8252564.
Genomic context (GRCh38, chr16:89,792,553, plus strand): 5'-AGAGGGTGTGTCCGCGCAAAGCTCCACTCTCTCTGCATCTGAACAGCATCAGATGCTGCA[G>A]GGGGAGAAACAGACAAAAACTTCAAGTCAGAGATCAAAAAGTTGTGGGTTTTTGTTAAGG-3'